The following is an entry in ClinVar:

NM_198904.4(GABRG2):c.328-20T>G

Gene: GABRG2 (gamma-aminobutyric acid type A receptor subunit gamma2; plus strand). Cytogenetic location: 5q34.
Variant type: single nucleotide variant.
Coding change: c.328-20T>G on transcript NM_198904.4 (MANE Select); 20 bases into the intron before coding-DNA position 328, T replaced by G.
Molecular consequence: intron variant.
Genome position (GRCh38, 1-based): chr5:162,097,618, T>G. VCF-style: chr5-162097618-T-G. GRCh37 (hg19) VCF-style: chr5-161524624-T-G.
Other names: c.328-20T>G (NM_000816.3, NM_001375343.1, NM_001375344.1 and 4 more transcripts); c.43-20T>G (NM_001375349.1); c.-31-82T>G (NM_001375350.1, NM_001375348.1); c.319-20T>G (NM_001375339.1); c.262-20T>G (NM_001375346.1, NM_001375345.1); c.241-20T>G (NM_001375347.1).
Identifiers: ClinVar variation 137420 (VCV000137420.9), dbSNP rs74810777, ClinGen allele CA290989.
Genomic context (GRCh38, chr5:162,097,618, plus strand): 5'-AACAGGAATGAAATATACCAATATTTAAAAAGATAATCTTACTGTGTACAAATTTTCTGT[T>G]TATCATTTTATTAAAACAGGAATACACTATTGATATATTTTTTGCGCAAACGTGGTATGA-3'

ClinVar aggregate classification (germline): Benign. Review status: criteria provided, multiple submitters, no conflicts (2 of 4 stars). 2 submissions from 2 submitters: Benign (2). Last evaluated 2026-02-03.

Conditions:
EPILEPSY, CHILDHOOD ABSENCE, SUSCEPTIBILITY TO, 2 (ECA2). Identifiers: Orphanet 64280, MedGen C1843244, OMIM 607681.
Febrile seizures, familial, 8 (FEB8). Also called: CONVULSIONS, FAMILIAL FEBRILE, 8. Identifiers: Orphanet 36387, MedGen C1969810, MONDO:0011891, OMIM 607681.

Allele frequency attached by ClinVar (database versions not stated): gnomAD exomes 0.00162 and 0.00411; ExAC 0.00508; gnomAD 0.01496 and 0.01604; 1000 Genomes Project 0.01617; 1000 Genomes Project 30x 0.01718; TOPMed 0.01731; ESP Exome Variant Server 0.01610.
gnomAD v4.1: 4,642 of 1,553,666 alleles (0.3%); highest among the groups gnomAD compares: African/African-American, 5.4%; 104 homozygotes.

Submissions (2):

Labcorp Genetics (formerly Invitae), Labcorp
Classification: Benign for Febrile seizures, familial, 8; EPILEPSY, CHILDHOOD ABSENCE, SUSCEPTIBILITY TO, 2. Last evaluated: 2026-02-03. Review status: criteria provided, single submitter. Criteria: Invitae Variant Classification Sherloc (09022015). Collection method: clinical testing. Allele origin: germline.

GeneDx
Classification: Benign. Last evaluated: 2012-03-22. Review status: criteria provided, single submitter. Criteria: GeneDx Variant Classification (06012015). Collection method: clinical testing. Allele origin: germline. Affected: yes.
Comment: This variant is considered likely benign or benign based on one or more of the following criteria: it is a conservative change, it occurs at a poorly conserved position in the protein, it is predicted to be benign by multiple in silico algorithms, and/or has population frequency not consistent with disease.